The following is an entry in ClinVar:

ClinVar aggregate classification (germline): Uncertain significance. Review status: criteria provided, multiple submitters, no conflicts (2 of 4 stars). 2 submissions from 2 submitters: Uncertain significance (2). Last evaluated 2025-08-01.

Conditions:
Hereditary cancer-predisposing syndrome. Also called: Hereditary neoplastic syndrome; Neoplastic Syndromes, Hereditary; Tumor predisposition; Hereditary Cancer Syndrome. Identifiers: Orphanet 140162, MedGen C0027672, MeSH D009386, MONDO:0015356.
Neuroblastoma, susceptibility to, 3. Also called: ALK-Related Neuroblastic Tumor Susceptibility. Identifiers: Orphanet 635, MedGen C2751681, MONDO:0013083, OMIM 613014.

Allele frequency attached by ClinVar (database versions not stated): gnomAD exomes below 0.00001; TOPMed below 0.00001; gnomAD 0.00001.
gnomAD v4.1: 6 of 1,614,076 alleles (0.00037%); highest among the groups gnomAD compares: South Asian, 0.0011%; no homozygotes.

Submissions (2):

Ambry Genetics
Classification: Uncertain significance for Hereditary cancer-predisposing syndrome. Last evaluated: 2025-08-01. Review status: criteria provided, single submitter. Criteria: Ambry Variant Classification Scheme 2023. Collection method: clinical testing. Allele origin: germline.
Comment: The p.M378T variant (also known as c.1133T>C), located in coding exon 4 of the ALK gene, results from a T to C substitution at nucleotide position 1133. The methionine at codon 378 is replaced by threonine, an amino acid with similar properties. This amino acid position is conserved. In addition, this alteration is predicted to be tolerated by in silico analysis. Based on the available evidence, the clinical significance of this variant remains unclear.

Labcorp Genetics (formerly Invitae), Labcorp
Classification: Uncertain significance for Neuroblastoma, susceptibility to, 3. Last evaluated: 2025-07-02. Review status: criteria provided, single submitter. Criteria: Invitae Variant Classification Sherloc (09022015). Collection method: clinical testing. Allele origin: germline.
Comment: This sequence change replaces methionine, which is neutral and non-polar, with threonine, which is neutral and polar, at codon 378 of the ALK protein (p.Met378Thr). This variant is present in population databases (no rsID available, gnomAD 0.003%). This variant has not been reported in the literature in individuals affected with ALK-related conditions. ClinVar contains an entry for this variant (Variation ID: 470736). An algorithm developed to predict the effect of missense changes on protein structure and function (PolyPhen-2) suggests that this variant is likely to be tolerated. In summary, the available evidence is currently insufficient to determine the role of this variant in disease. Therefore, it has been classified as a Variant of Uncertain Significance.

NM_004304.5(ALK):c.1133T>C (p.Met378Thr)

Gene: ALK (ALK receptor tyrosine kinase; minus strand). Cytogenetic location: 2p23.2.
Variant type: single nucleotide variant.
Coding change: c.1133T>C on transcript NM_004304.5 (MANE Select); coding-DNA position 1133, T replaced by C.
Protein change: p.Met378Thr; replaces methionine 378 with threonine.
Molecular consequence: missense variant.
Genome position (GRCh38, 1-based): chr2:29,531,936, A>G on the plus strand (T>C on the coding strand, the complement: ALK is on the minus strand). VCF-style: chr2-29531936-A-G. GRCh37 (hg19) VCF-style: chr2-29754802-A-G.
Other names: short protein forms M378T.
Identifiers: ClinVar variation 470736 (VCV000470736.12), dbSNP rs1178669386, ClinGen allele CA346587206.
Genomic context (GRCh38, chr2:29,531,936, plus strand): 5'-CTGGTATAAAATCAATTTTGGACATGGAGAAGTACTTACCCATGCTTCCCTGGAGTGGGC[A>G]TCAGGAGGATCTCTCTTGCAGCCTCGTTGTGGGGCAGCAGCTGGGCAATGTACCTTCCAG-3'
Protein context (NP_004295.2, residues 368-388): HNEAAREILL[Met378Thr]PTPGKHGWTV